The following is an entry in ClinVar:

ClinVar aggregate classification (germline): Likely pathogenic (1 of 4 stars; one submission).

Submission:

Labcorp Genetics (formerly Invitae), Labcorp
Classification: Likely pathogenic. Last evaluated: 2022-01-18. Review status: criteria provided, single submitter. Criteria: Invitae Variant Classification Sherloc (09022015). Collection method: clinical testing. Allele origin: germline.
Comment: In summary, the currently available evidence indicates that the variant is pathogenic, but additional data are needed to prove that conclusively. Therefore, this variant has been classified as Likely Pathogenic. Experimental studies and prediction algorithms are not available or were not evaluated, and the functional significance of this variant is currently unknown. This premature translational stop signal has been observed in individual(s) with clinical features of YWHAG-related conditions (Invitae). In at least one individual the variant was observed to be de novo. This variant is not present in population databases (gnomAD no frequency). This sequence change creates a premature translational stop signal (p.Trp60*) in the YWHAG gene. While this is not anticipated to result in nonsense mediated decay, it is expected to disrupt the last 188 amino acid(s) of the YWHAG protein.

NM_012479.4(YWHAG):c.180G>A (p.Trp60Ter)

Gene: YWHAG (tyrosine 3-monooxygenase/tryptophan 5-monooxygenase activation protein gamma; minus strand). Cytogenetic location: 7q11.23.
Variant type: single nucleotide variant.
Coding change: c.180G>A on transcript NM_012479.4 (MANE Select); coding-DNA position 180, G replaced by A.
Protein change: p.Trp60Ter; replaces tryptophan 60 with a stop codon.
Molecular consequence: nonsense.
Genome position (GRCh38, 1-based): chr7:76,330,141, C>T on the plus strand (G>A on the coding strand, the complement: YWHAG is on the minus strand). VCF-style: chr7-76330141-C-T. GRCh37 (hg19) VCF-style: chr7-75959458-C-T.
Other names: short protein forms W60*.
Identifiers: ClinVar variation 2056700 (VCV002056700.4), dbSNP rs2536181240, ClinGen allele CA367777978.